The following is an entry in ClinVar:

NM_004415.4(DSP):c.2528C>G (p.Ser843Ter)

Gene: DSP (desmoplakin; plus strand). Cytogenetic location: 6p24.3.
Variant type: single nucleotide variant.
Coding change: c.2528C>G on transcript NM_004415.4 (MANE Select); coding-DNA position 2528, C replaced by G.
Protein change: p.Ser843Ter; replaces serine 843 with a stop codon.
Molecular consequence: nonsense.
Genome position (GRCh38, 1-based): chr6:7,575,386, C>G. VCF-style: chr6-7575386-C-G. GRCh37 (hg19) VCF-style: chr6-7575619-C-G.
Other names: c.2528C>G, p.Ser843Ter (NM_001008844.3, NM_001319034.2); short protein forms S843*.
Identifiers: ClinVar variation 2946428 (VCV002946428.3), dbSNP rs1057518920, ClinGen allele CA362681541.

ClinVar aggregate classification (germline): Pathogenic (1 of 4 stars; one submission).

Conditions:
Arrhythmogenic cardiomyopathy with wooly hair and keratoderma. Also called: Dilated cardiomyopathy with woolly hair and keratoderma; PALMOPLANTAR KERATODERMA WITH LEFT VENTRICULAR CARDIOMYOPATHY AND WOOLLY HAIR; Carvajal syndrome; Arrhythmogenic cardiomyopathy with woolly hair and keratoderma. Identifiers: Orphanet 65282, MedGen C1854063, MONDO:0011581, OMIM 605676.
Arrhythmogenic right ventricular dysplasia 8 (ARVD8). Also called: Arrhythmogenic Right Ventricular Dysplasia/Cardiomyopathy 8; ARRHYTHMOGENIC RIGHT VENTRICULAR DYSPLASIA, FAMILIAL, 8; ARRHYTHMOGENIC RIGHT VENTRICULAR CARDIOMYOPATHY 8. Identifiers: MedGen C1843896, MONDO:0011831, OMIM 607450.

Submission:

Labcorp Genetics (formerly Invitae), Labcorp
Classification: Pathogenic for Arrhythmogenic cardiomyopathy with wooly hair and keratoderma; Arrhythmogenic right ventricular dysplasia 8. Last evaluated: 2023-04-09. Review status: criteria provided, single submitter. Criteria: Invitae Variant Classification Sherloc (09022015). Collection method: clinical testing. Allele origin: germline.
Comment: For these reasons, this variant has been classified as Pathogenic. This variant has not been reported in the literature in individuals affected with DSP-related conditions. This variant is not present in population databases (gnomAD no frequency). This sequence change creates a premature translational stop signal (p.Ser843*) in the DSP gene. It is expected to result in an absent or disrupted protein product. Loss-of-function variants in DSP are known to be pathogenic (PMID: 20716751, 24503780, 25227139).

Literature cited by the submitters: PubMed 20716751; PubMed 24503780; PubMed 25227139.